The following is an entry in ClinVar:

NM_002661.5(PLCG2):c.1146T>C (p.Phe382=)

Gene: PLCG2 (phospholipase C gamma 2; plus strand). Cytogenetic location: 16q23.3.
Variant type: single nucleotide variant.
Coding change: c.1146T>C on transcript NM_002661.5 (MANE Select); coding-DNA position 1146, T replaced by C.
Protein change: p.Phe382=; no amino-acid change (phenylalanine 382 retained).
Molecular consequence: synonymous variant.
Genome position (GRCh38, 1-based): chr16:81,895,880, T>C. VCF-style: chr16-81895880-T-C. GRCh37 (hg19) VCF-style: chr16-81929485-T-C.
Other names: p.Phe382=.
Identifiers: ClinVar variation 472888 (VCV000472888.57), dbSNP rs138637229, ClinGen allele CA8193613.

ClinVar aggregate classification (germline): Benign/Likely benign. Review status: criteria provided, multiple submitters, no conflicts (2 of 4 stars). 8 submissions from 8 submitters: Benign (4); Likely benign (2). 2 of the submissions do not count toward it. Last evaluated 2026-06-01.

Conditions:
Familial cold autoinflammatory syndrome 3 (FCAS3). Also called: FAMILIAL ATYPICAL COLD URTICARIA; ANTIBODY DEFICIENCY AND IMMUNE DYSREGULATION, PLCG2-ASSOCIATED. Identifiers: Orphanet 300359, MedGen C3280914, MONDO:0013766, OMIM 614468.

Allele frequency attached by ClinVar (database versions not stated): 1000 Genomes Project 30x 0.00281; 1000 Genomes Project 0.00319; TOPMed 0.00610; ESP Exome Variant Server 0.00649; gnomAD 0.00682 and 0.00731; ExAC 0.00703; gnomAD exomes 0.00712 and 0.00839.
gnomAD v4.1: 13,387 of 1,614,098 alleles (0.83%); highest among the groups gnomAD compares: Non-Finnish European, 0.91%; 90 homozygotes.

Submissions (8):

CeGaT Center for Human Genetics Tuebingen
Classification: Benign. Last evaluated: 2026-06-01. Review status: criteria provided, single submitter. Criteria: CeGaT Center For Human Genetics Tuebingen Variant Classification Criteria Version 2. Collection method: clinical testing. Allele origin: germline. Affected: yes. Observed: 22 variant alleles.
Comment: PLCG2: BP4, BP7, BS1, BS2

Labcorp Genetics (formerly Invitae), Labcorp
Classification: Benign for Familial cold autoinflammatory syndrome 3. Last evaluated: 2026-02-01. Review status: criteria provided, single submitter. Criteria: Invitae Variant Classification Sherloc (09022015). Collection method: clinical testing. Allele origin: germline.

Blueprint Genetics
Classification: Likely benign. Last evaluated: 2024-11-26. Review status: criteria provided, single submitter. Criteria: ACMG Guidelines, 2015. Collection method: clinical testing. Allele origin: germline.

Mayo Clinic Laboratories, Mayo Clinic
Classification: Benign. Last evaluated: 2024-06-19. Review status: criteria provided, single submitter. Criteria: ACMG Guidelines, 2015. Collection method: clinical testing. Allele origin: germline. Observed: 22 variant alleles.
Comment: BS1, BS2, BP4, BP7

ARUP Laboratories, Molecular Genetics and Genomics, ARUP Laboratories
Classification: Benign. Last evaluated: 2023-08-24. Review status: criteria provided, single submitter. Criteria: ARUP Molecular Germline Variant Investigation Process 2024. Collection method: clinical testing. Allele origin: germline.

Breakthrough Genomics
Classification: Likely benign. Review status: criteria provided, single submitter. Criteria: ACMG Guidelines, 2015. Collection method: not provided. Allele origin: germline. Inheritance: Autosomal dominant inheritance. Affected: yes.

Clinical Genetics DNA and cytogenetics Diagnostics Lab, Erasmus MC, Erasmus Medical Center
Classification: Benign. Review status: no assertion criteria provided. Collection method: clinical testing. Allele origin: germline. Affected: yes. Study: VKGL Data-share Consensus. Not counted in ClinVar's aggregate classification.

Genome Diagnostics Laboratory, University Medical Center Utrecht
Classification: Benign. Review status: no assertion criteria provided. Collection method: clinical testing. Allele origin: germline. Affected: yes. Study: VKGL Data-share Consensus. Not counted in ClinVar's aggregate classification.